The following is an entry in ClinVar:

NM_000384.3(APOB):c.6655C>T (p.Arg2219Cys)

Gene: APOB (apolipoprotein B; minus strand). Cytogenetic location: 2p24.1.
Variant type: single nucleotide variant.
Coding change: c.6655C>T on transcript NM_000384.3 (MANE Select); coding-DNA position 6655, C replaced by T.
Protein change: p.Arg2219Cys; replaces arginine 2219 with cysteine.
Molecular consequence: missense variant.
Genome position (GRCh38, 1-based): chr2:21,010,213, G>A on the plus strand (C>T on the coding strand, the complement: APOB is on the minus strand). VCF-style: chr2-21010213-G-A. GRCh37 (hg19) VCF-style: chr2-21233085-G-A.
Other names: short protein forms R2219C.
Identifiers: ClinVar variation 402377 (VCV000402377.44), dbSNP rs141641980, ClinGen allele CA063418.

ClinVar aggregate classification (germline): Conflicting classifications of pathogenicity. Review status: criteria provided, conflicting classifications (1 of 4 stars). 7 submissions from 7 submitters: Uncertain significance (5); Likely benign (2). Last evaluated 2026-04-28.

Conditions:
Cardiovascular phenotype. Identifiers: MedGen CN230736.
Familial hypobetalipoproteinemia 1. Also called: Hypobetalipoproteinemia, normotriglyceridemic; Acanthocytosis with hypobetalipoproteinemia; APOB-Related Familial Hypobetalipoproteinemia. Identifiers: MedGen C4551990, MONDO:0014252, OMIM 615558.
Hypercholesterolemia, autosomal dominant, type B (FHCL2). Also called: Familial hypercholesterolemia 2; Familial Hypercholesterolemia Type B; Hyperlipoproteinemia Type IIb; APOB-Related Familial Hypercholesterolemia, Autosomal Dominant; APOLIPOPROTEIN B-100, FAMILIAL DEFECTIVE; APOLIPOPROTEIN B-100, FAMILIAL LIGAND-DEFECTIVE. Identifiers: MedGen C1704417, MONDO:0007751, OMIM 144010.

Allele frequency attached by ClinVar (database versions not stated): ExAC 0.00005; gnomAD 0.00007; gnomAD exomes 0.00007 and 0.00019; TOPMed 0.00008; ESP Exome Variant Server 0.00015.
gnomAD v4.1: 272 of 1,583,182 alleles (0.017%); highest among the groups gnomAD compares: Non-Finnish European, 0.022%; no homozygotes.

Submissions (7):

Ambry Genetics
Classification: Uncertain significance for Cardiovascular phenotype. Last evaluated: 2026-04-28. Review status: criteria provided, single submitter. Criteria: Ambry Variant Classification Scheme 2023. Collection method: clinical testing. Allele origin: germline.
Comment: The c.6655C>T (p.R2219C) alteration is located in exon 26 (coding exon 26) of the APOB gene. This alteration results from a C to T substitution at nucleotide position 6655, causing the arginine (R) at amino acid position 2219 to be replaced by a cysteine (C). Based on data from gnomAD, the T allele has an overall frequency of 0.007% (18/270774) total alleles studied. The highest observed frequency was 0.011% (14/124930) of European (non-Finnish) alleles. Based on insufficient or conflicting evidence, the clinical significance of this alteration remains unclear.

Labcorp Genetics (formerly Invitae), Labcorp
Classification: Likely benign for Familial hypobetalipoproteinemia 1; Hypercholesterolemia, autosomal dominant, type B. Last evaluated: 2025-10-28. Review status: criteria provided, single submitter. Criteria: Invitae Variant Classification Sherloc (09022015). Collection method: clinical testing. Allele origin: germline.

Quest Diagnostics Nichols Institute San Juan Capistrano
Classification: Uncertain significance. Last evaluated: 2025-01-28. Review status: criteria provided, single submitter. Criteria: Quest Diagnostics criteria. Collection method: clinical testing. Allele origin: unknown.
Comment: The APOB c.6655C>T (p.Arg2219Cys) variant has been reported in the published literature in individuals with hypertriglyceridemia (PMID: 20657596 (2010)) and combined hyperlipidemia (PMID: 33303402 (2021)). The frequency of this variant in the general population (Genome Aggregation Database) is uninformative in the assessment of its pathogenicity. Analysis of this variant using bioinformatics tools for the prediction of the effect of amino acid changes on protein structure and function yielded predictions that this variant is benign. Based on the available information, we are unable to determine the clinical significance of this variant.

Women's Health and Genetics/Laboratory Corporation of America, LabCorp
Classification: Likely benign. Last evaluated: 2024-04-10. Review status: criteria provided, single submitter. Criteria: LabCorp Variant Classification Summary - May 2015. Collection method: clinical testing. Allele origin: germline.
Comment: Variant summary: APOB c.6655C>T (p.Arg2219Cys) results in a non-conservative amino acid change in the encoded protein sequence. Three of five in-silico tools predict a benign effect of the variant on protein function. The variant allele was found at a frequency of 7.1e-05 in 239406 control chromosomes. The observed variant frequency is approximately 3.6 fold of the estimated maximal expected allele frequency for a pathogenic variant in APOB causing Early Onset Coronary Artery Disease phenotype (2e-05), strongly suggesting that the variant is benign. c.6655C>T has been reported in the literature in individuals affected with hypertriglyceridemia. These report(s) do not provide unequivocal conclusions about association of the variant with Early Onset Coronary Artery Disease. To our knowledge, no experimental evidence demonstrating an impact on protein function has been reported. The following publication have been ascertained in the context of this evaluation (PMID: 20657596). ClinVar contains an entry for this variant (Variation ID: 402377). Based on the evidence outlined above, the variant was classified as likely benign.

CeGaT Center for Human Genetics Tuebingen
Classification: Uncertain significance. Last evaluated: 2023-12-01. Review status: criteria provided, single submitter. Criteria: CeGaT Center For Human Genetics Tuebingen Variant Classification Criteria Version 2. Collection method: clinical testing. Allele origin: germline. Affected: yes. Observed: 1 variant allele.
Comment: APOB: PM2, PS4:Moderate, BP4

Fulgent Genetics
Classification: Uncertain significance for Hypercholesterolemia, autosomal dominant, type B; Familial hypobetalipoproteinemia 1. Last evaluated: 2021-07-20. Review status: criteria provided, single submitter. Criteria: ACMG Guidelines, 2015. Collection method: clinical testing. Allele origin: unknown.

Laboratory for Molecular Medicine, Mass General Brigham Personalized Medicine
Classification: Uncertain significance. Last evaluated: 2016-06-16. Review status: criteria provided, single submitter. Criteria: LMM Criteria. Collection method: clinical testing. Allele origin: germline.
Comment: Variant identified in a genome or exome case(s) and assessed due to predicted null impact of the variant or pathogenic assertions in the literature or databases. Disclaimer: This variant has not undergone full assessment. The following are preliminary notes: Only 1 report

Literature cited by the submitters: PubMed 20657596 (cited by Quest Diagnostics Nichols Institute San Juan Capistrano and Women's Health and Genetics/Laboratory Corporation of America, LabCorp); PubMed 33303402 (cited by Quest Diagnostics Nichols Institute San Juan Capistrano); PubMed 35999587 (cited by Quest Diagnostics Nichols Institute San Juan Capistrano); PubMed 22863191 (cited by Quest Diagnostics Nichols Institute San Juan Capistrano).